The following is an entry in ClinVar:

ClinVar aggregate classification (germline): Benign/Likely benign. Review status: criteria provided, multiple submitters, no conflicts (2 of 4 stars). 7 submissions from 7 submitters: Benign (2); Likely benign (4). 1 of the submissions does not count toward it. Last evaluated 2026-01-14.

Conditions:
Hyper-IgE recurrent infection syndrome 1, autosomal dominant. Also called: Job's Syndrome; STAT3 Hyper IgE Syndrome; Hyper-IgE recurrent infection syndrome 1; HYPER-IgE SYNDROME 1, AUTOSOMAL DOMINANT, WITH RECURRENT INFECTIONS; JOB SYNDROME. Identifiers: Orphanet 2314, MedGen C2936739, MONDO:0007818, OMIM 147060.
STAT3 gain of function. Identifiers: MedGen C4288261.

Allele frequency attached by ClinVar (database versions not stated): gnomAD exomes 0.00008; ESP Exome Variant Server 0.00069; TOPMed 0.00075; 1000 Genomes Project 0.00080; gnomAD 0.00083 and 0.00091; 1000 Genomes Project 30x 0.00109.
gnomAD v4.1: 239 of 1,613,894 alleles (0.015%); highest among the groups gnomAD compares: African/African-American, 0.26%; 1 homozygote.

Submissions (7):

Labcorp Genetics (formerly Invitae), Labcorp
Classification: Benign for STAT3 gain of function; Hyper-IgE recurrent infection syndrome 1, autosomal dominant. Last evaluated: 2026-01-14. Review status: criteria provided, single submitter. Criteria: Invitae Variant Classification Sherloc (09022015). Collection method: clinical testing. Allele origin: germline.

Blueprint Genetics
Classification: Likely benign. Last evaluated: 2023-09-14. Review status: criteria provided, single submitter. Criteria: ACMG Guidelines, 2015. Collection method: clinical testing. Allele origin: germline.

Women's Health and Genetics/Laboratory Corporation of America, LabCorp
Classification: Benign. Last evaluated: 2019-03-08. Review status: criteria provided, single submitter. Criteria: LabCorp Variant Classification Summary - May 2015. Collection method: clinical testing. Allele origin: germline.
Comment: Variant summary: STAT3 c.1329C>T alters a non-conserved nucleotide resulting in a synonymous change. 5/5 computational tools predict no significant impact on normal splicing. However, these predictions have yet to be confirmed by functional studies. The variant allele was found at a frequency of 0.00023 in 277200 control chromosomes, predominantly at a frequency of 0.0022 within the African subpopulation in the gnomAD database. The observed variant frequency within African control individuals in the gnomAD database is approximately 1000 fold of the estimated maximal expected allele frequency for a pathogenic variant in STAT3 causing Hyper IgE Syndrome phenotype (2.2e-06), strongly suggesting that the variant is a benign polymorphism found primarily in populations of African origin. To our knowledge, no occurrence of c.1329C>T in individuals affected with Hyper IgE Syndrome and no experimental evidence demonstrating its impact on protein function have been reported. Four ClinVar submissions from clinical diagnostic laboratories (evaluation after 2014) cite the variant as benign (1x) and likely benign (3x). Based on the evidence outlined above, the variant was classified as benign.

Genome Diagnostics Laboratory, University Medical Center Utrecht
Classification: Likely benign for Hyper-IgE recurrent infection syndrome 1, autosomal dominant. Last evaluated: 2017-07-28. Review status: criteria provided, single submitter. Criteria: ACGS Guidelines, 2013. Collection method: clinical testing. Allele origin: germline. Affected: yes. Study: VKGL Data-share Consensus.

Clinical Genetics DNA and cytogenetics Diagnostics Lab, Erasmus MC, Erasmus Medical Center
Classification: Likely benign for Hyper-IgE recurrent infection syndrome 1, autosomal dominant. Last evaluated: 2017-06-28. Review status: criteria provided, single submitter. Criteria: ACGS Guidelines, 2013. Collection method: clinical testing. Allele origin: germline. Affected: yes. Study: VKGL Data-share Consensus.

GeneDx
Classification: Likely benign. Last evaluated: 2017-04-17. Review status: criteria provided, single submitter. Criteria: GeneDx Variant Classification (06012015). Collection method: clinical testing. Allele origin: germline. Affected: yes.
Comment: This variant is considered likely benign or benign based on one or more of the following criteria: it is a conservative change, it occurs at a poorly conserved position in the protein, it is predicted to be benign by multiple in silico algorithms, and/or has population frequency not consistent with disease.

Genetic Services Laboratory, University of Chicago
Classification: Benign. Last evaluated: 2022-10-02. Review status: no assertion criteria provided. Collection method: clinical testing. Allele origin: germline. Affected: no. Not counted in ClinVar's aggregate classification.

NM_139276.3(STAT3):c.1329C>T (p.Thr443=)

Gene: STAT3 (signal transducer and activator of transcription 3; minus strand). Cytogenetic location: 17q21.2.
Variant type: single nucleotide variant.
Coding change: c.1329C>T on transcript NM_139276.3 (MANE Select); coding-DNA position 1329, C replaced by T.
Protein change: p.Thr443=; no amino-acid change (threonine 443 retained).
Molecular consequence: synonymous variant. On other transcripts: intron variant (1).
Genome position (GRCh38, 1-based): chr17:42,326,152, G>A on the plus strand (C>T on the coding strand, the complement: STAT3 is on the minus strand). VCF-style: chr17-42326152-G-A. GRCh37 (hg19) VCF-style: chr17-40478170-G-A.
Other names: c.1329C>T, p.Thr443= (NM_001369512.1, NM_001369513.1, NM_001369514.1 and 11 more transcripts); c.1251C>T, p.Thr417= (NM_001384985.1); c.1344C>T, p.Thr448= (NM_001384986.1, NM_001384990.1); c.1233C>T, p.Thr411= (NM_001384989.1); c.1269C>T, p.Thr423= (NM_001384992.1); c.1282-1091C>T (NM_001384984.1).
Identifiers: ClinVar variation 508926 (VCV000508926.16), dbSNP rs147955721, ClinGen allele CA8575354.